The following is an entry in ClinVar:

NM_001077268.2(ZFYVE19):c.771A>C (p.Leu257=)

Gene: ZFYVE19 (zinc finger FYVE-type containing 19; plus strand). Cytogenetic location: 15q15.1.
Variant type: single nucleotide variant.
Coding change: c.771A>C on transcript NM_001077268.2 (MANE Select); coding-DNA position 771, A replaced by C.
Protein change: p.Leu257=; no amino-acid change (leucine 257 retained).
Molecular consequence: synonymous variant.
Genome position (GRCh38, 1-based): chr15:40,810,702, A>C. VCF-style: chr15-40810702-A-C. GRCh37 (hg19) VCF-style: chr15-41102900-A-C.
Other names: c.771A>C (NM_001077268.1); c.771A>C, p.Leu257= (NM_001258420.2); c.246A>C, p.Leu82= (NM_001258421.2); c.741A>C, p.Leu247= (NM_032850.5).
Identifiers: ClinVar variation 4924262 (VCV004924262.2).
Genomic context (GRCh38, chr15:40,810,702, plus strand): 5'-TGTGCAGGCACATCACACACCGGACACCAGGACCCAAGCCCAGCAGACACAGGATCTGCT[A>C]ACGCAGCTGGCAGCTGAGGTGGCTATCGATGAAAGCTGGAAAGGAGGAGGCCCAGGTAAC-3'
Protein context (NP_001070736.1, residues 247-267): RTQAQQTQDL[Leu257=]TQLAAEVAID

ClinVar aggregate classification (germline): Likely benign. Review status: criteria provided, multiple submitters, no conflicts (2 of 4 stars). 2 submissions from 2 submitters: Likely benign (2). Last evaluated 2025-12-18.

Conditions:
ZFYVE19-related disorder. Also called: ZFYVE19-related condition.

gnomAD v4.1: 7,322 of 1,577,698 alleles (0.46%); highest among the groups gnomAD compares: Non-Finnish European, 0.58%; 25 homozygotes.

Submissions (2):

PreventionGenetics, part of Exact Sciences
Classification: Likely benign for ZFYVE19-related condition. Last evaluated: 2025-12-18. Review status: criteria provided, single submitter. Criteria: ACMG Guidelines, 2015. Collection method: clinical testing. Allele origin: germline.
Comment: This variant is classified as likely benign based on ACMG/AMP sequence variant interpretation guidelines (Richards et al. 2015 PMID: 25741868, with internal and published modifications).

Blueprint Genetics
Classification: Likely benign. Last evaluated: 2024-11-14. Review status: criteria provided, single submitter. Criteria: ACMG Guidelines, 2015. Collection method: clinical testing. Allele origin: germline.